The following is an entry in ClinVar:

NM_018389.5(SLC35C1):c.323G>T (p.Arg108Leu)

Gene: SLC35C1 (solute carrier family 35 member C1; plus strand). Cytogenetic location: 11p11.2.
Variant type: single nucleotide variant.
Coding change: c.323G>T on transcript NM_018389.5 (MANE Select); coding-DNA position 323, G replaced by T.
Protein change: p.Arg108Leu; replaces arginine 108 with leucine.
Molecular consequence: missense variant.
Genome position (GRCh38, 1-based): chr11:45,806,124, G>T. VCF-style: chr11-45806124-G-T. GRCh37 (hg19) VCF-style: chr11-45827675-G-T.
Other names: c.284G>T, p.Arg95Leu (NM_001145265.2, NM_001145266.2); short protein forms R95L, R108L.
Identifiers: ClinVar variation 841864 (VCV000841864.9), dbSNP rs765620583, ClinGen allele CA380202742.

ClinVar aggregate classification (germline): Uncertain significance (1 of 4 stars; one submission).

Conditions:
Leukocyte adhesion deficiency type II. Also called: CONGENITAL DISORDER OF GLYCOSYLATION, TYPE IIc; CDG IIc; Congenital disorder of glycosylation type 2C; CDG 2C; Leukocyte adhesion deficiency type 2; Rambam Hasharon syndrome. Identifiers: Orphanet 2968, Orphanet 99843, MedGen C0398739, MONDO:0009953, OMIM 266265.

Allele frequency attached by ClinVar (database versions not stated): TOPMed 0.00001.

Submission:

Labcorp Genetics (formerly Invitae), Labcorp
Classification: Uncertain significance for Leukocyte adhesion deficiency type II. Last evaluated: 2019-02-18. Review status: criteria provided, single submitter. Criteria: Invitae Variant Classification Sherloc (09022015). Collection method: clinical testing. Allele origin: germline.
Comment: This variant is not present in population databases (ExAC no frequency). This sequence change replaces arginine with leucine at codon 108 of the SLC35C1 protein (p.Arg108Leu). The arginine residue is weakly conserved and there is a moderate physicochemical difference between arginine and leucine. This variant has not been reported in the literature in individuals with SLC35C1-related conditions. In summary, the available evidence is currently insufficient to determine the role of this variant in disease. Therefore, it has been classified as a Variant of Uncertain Significance. Algorithms developed to predict the effect of missense changes on protein structure and function (SIFT, PolyPhen-2, Align-GVGD) all suggest that this variant is likely to be tolerated, but these predictions have not been confirmed by published functional studies and their clinical significance is uncertain.